The following is an entry in ClinVar:

NM_004369.4(COL6A3):c.7267G>C (p.Asp2423His)

Gene: COL6A3 (collagen type VI alpha 3 chain; minus strand). Cytogenetic location: 2q37.3.
Variant type: single nucleotide variant.
Coding change: c.7267G>C on transcript NM_004369.4 (MANE Select); coding-DNA position 7267, G replaced by C.
Protein change: p.Asp2423His; replaces aspartic acid 2423 with histidine.
Molecular consequence: missense variant.
Genome position (GRCh38, 1-based): chr2:237,344,751, C>G on the plus strand (G>C on the coding strand, the complement: COL6A3 is on the minus strand). VCF-style: chr2-237344751-C-G. GRCh37 (hg19) VCF-style: chr2-238253394-C-G.
Other names: c.5446G>C, p.Asp1816His (NM_057166.5); c.6649G>C, p.Asp2217His (NM_057167.4); short protein forms D2423H, D1816H, D2217H.
Identifiers: ClinVar variation 2977388 (VCV002977388.3), dbSNP rs2469817842, ClinGen allele CA351204135.

ClinVar aggregate classification (germline): Uncertain significance (1 of 4 stars; one submission).

Conditions:
Bethlem myopathy 1A. Also called: MYOPATHY, BENIGN CONGENITAL, WITH CONTRACTURES; Bethlem myopathy 1; Bethlem Muscular Dystrophy. Identifiers: Orphanet 610, MedGen CN029274, MONDO:0024530, OMIM 158810.

Submission:

Labcorp Genetics (formerly Invitae), Labcorp
Classification: Uncertain significance for Bethlem myopathy 1A. Last evaluated: 2023-08-07. Review status: criteria provided, single submitter. Criteria: Invitae Variant Classification Sherloc (09022015). Collection method: clinical testing. Allele origin: germline.
Comment: This sequence change replaces aspartic acid, which is acidic and polar, with histidine, which is basic and polar, at codon 2423 of the COL6A3 protein (p.Asp2423His). This variant is not present in population databases (gnomAD no frequency). This variant has not been reported in the literature in individuals affected with COL6A3-related conditions. Advanced modeling of protein sequence and biophysical properties (such as structural, functional, and spatial information, amino acid conservation, physicochemical variation, residue mobility, and thermodynamic stability) performed at Invitae indicates that this missense variant is not expected to disrupt COL6A3 protein function. In summary, the available evidence is currently insufficient to determine the role of this variant in disease. Therefore, it has been classified as a Variant of Uncertain Significance.